The following is an entry in ClinVar:

NM_001384732.1(CPLANE1):c.8445T>C (p.Ile2815=)

Gene: CPLANE1 (ciliogenesis and planar polarity effector complex subunit 1; minus strand). Cytogenetic location: 5p13.2.
Variant type: single nucleotide variant.
Coding change: c.8445T>C on transcript NM_001384732.1 (MANE Select); coding-DNA position 8445, T replaced by C.
Protein change: p.Ile2815=; no amino-acid change (isoleucine 2815 retained).
Molecular consequence: synonymous variant.
Genome position (GRCh38, 1-based): chr5:37,148,197, A>G on the plus strand (T>C on the coding strand, the complement: CPLANE1 is on the minus strand). VCF-style: chr5-37148197-A-G. GRCh37 (hg19) VCF-style: chr5-37148299-A-G.
Other names: c.8283T>C, p.Ile2761= (NM_023073.4).
Identifiers: ClinVar variation 2141458 (VCV002141458.1), dbSNP rs1259658214, ClinGen allele CA443918100.

ClinVar aggregate classification (germline): Uncertain significance (1 of 4 stars; one submission).

Allele frequency attached by ClinVar (database versions not stated): gnomAD exomes below 0.00001; gnomAD 0.00001; TOPMed 0.00001.
gnomAD v4.1: 7 of 1,612,676 alleles (0.00043%); highest among the groups gnomAD compares: Admixed American, 0.0067%; no homozygotes.

Submission:

Labcorp Genetics (formerly Invitae), Labcorp
Classification: Uncertain significance. Last evaluated: 2022-03-18. Review status: criteria provided, single submitter. Criteria: Invitae Variant Classification Sherloc (09022015). Collection method: clinical testing. Allele origin: germline.
Comment: This sequence change affects codon 2761 of the CPLANE1 mRNA. It is a 'silent' change, meaning that it does not change the encoded amino acid sequence of the CPLANE1 protein. This variant is present in population databases (no rsID available, gnomAD 0.009%). This variant has not been reported in the literature in individuals affected with CPLANE1-related conditions. Algorithms developed to predict the effect of sequence changes on RNA splicing suggest that this variant may create or strengthen a splice site. In summary, the available evidence is currently insufficient to determine the role of this variant in disease. Therefore, it has been classified as a Variant of Uncertain Significance.